The following is an entry in ClinVar:

NM_000426.4(LAMA2):c.3955C>T (p.Arg1319Ter)

Gene: LAMA2 (laminin subunit alpha 2; plus strand). Cytogenetic location: 6q22.33.
Variant type: single nucleotide variant.
Coding change: c.3955C>T on transcript NM_000426.4 (MANE Select); coding-DNA position 3955, C replaced by T.
Protein change: p.Arg1319Ter; replaces arginine 1319 with a stop codon.
Molecular consequence: nonsense.
Genome position (GRCh38, 1-based): chr6:129,316,068, C>T. VCF-style: chr6-129316068-C-T. GRCh37 (hg19) VCF-style: chr6-129637213-C-T.
Other names: c.3955C>T, p.Arg1319Ter (NM_001079823.2); short protein forms R1319*.
Identifiers: ClinVar variation 623353 (VCV000623353.15), dbSNP rs1180309541, ClinGen allele CA365613657.
Genomic context (GRCh38, chr6:129,316,068, plus strand): 5'-TGTCATAGTGATTTCTCTTCTTGTTAACAGAAAGAATGGAAATATTATGGGGATGATCCT[C>T]GAGTCCATAGAACTGTGACCCGAGAAGACTTCTTGGATATACTATATGATATTCATTACA-3'

ClinVar aggregate classification (germline): Pathogenic. Review status: criteria provided, multiple submitters, no conflicts (2 of 4 stars). 6 submissions from 6 submitters: Pathogenic (5). 1 of the submissions does not count toward it. Last evaluated 2026-02-19.

Conditions:
Merosin deficient congenital muscular dystrophy (MDC1A). Also called: Congenital merosin-deficient muscular dystrophy 1A; Congenital Muscular Dystrophy Type 1A (MDC1A). Identifiers: Orphanet 258, MedGen C1263858, MONDO:0011925, OMIM 607855.
LAMA2-related muscular dystrophy (LAMA2-RD). Also called: Laminin alpha 2-related dystrophy. Identifiers: MedGen C5679788, MONDO:0100228.

Allele frequency attached by ClinVar (database versions not stated): gnomAD exomes below 0.00001; TOPMed below 0.00001.
gnomAD v4.1: 3 of 1,613,666 alleles (0.00019%); highest among the groups gnomAD compares: African/African-American, 0.0013%; no homozygotes.

Submissions (6):

Myriad Genetics, Inc.
Classification: Pathogenic for LAMA2-related muscular dystrophy. Last evaluated: 2026-02-19. Review status: criteria provided, single submitter. Criteria: Myriad Autosomal Dominant, Autosomal Recessive and X-Linked Classification Criteria (2023). Collection method: clinical testing. Allele origin: unknown.
Comment: NM_000426.3(LAMA2):c.3955C>T(R1319*) is a nonsense variant classified as pathogenic in the context of muscular dystrophy, LAMA2-related. R1319* has been observed in cases with relevant disease (PMID: 37182895, 24611677, 30945278). Relevant functional assessments of this variant are not available in the literature. R1319* has not been observed in referenced population frequency databases. In summary, NM_000426.3(LAMA2):c.3955C>T(R1319*) is a nonsense variant that has been observed more frequently in cases with the relevant disease than in healthy populations. Please note: this variant was assessed in the context of healthy population screening.

Labcorp Genetics (formerly Invitae), Labcorp
Classification: Pathogenic for LAMA2-related muscular dystrophy. Last evaluated: 2025-07-29. Review status: criteria provided, single submitter. Criteria: Invitae Variant Classification Sherloc (09022015). Collection method: clinical testing. Allele origin: germline.
Comment: This sequence change creates a premature translational stop signal (p.Arg1319*) in the LAMA2 gene. It is expected to result in an absent or disrupted protein product. Loss-of-function variants in LAMA2 are known to be pathogenic (PMID: 18700894, 32904964). This variant is not present in population databases (gnomAD no frequency). This premature translational stop signal has been observed in individuals with congenital muscular dystrophy (PMID: 24611677). ClinVar contains an entry for this variant (Variation ID: 623353). For these reasons, this variant has been classified as Pathogenic.

Genomic Medicine Center of Excellence, King Faisal Specialist Hospital and Research Centre
Classification: Pathogenic for Merosin deficient congenital muscular dystrophy. Last evaluated: 2024-03-26. Review status: criteria provided, single submitter. Criteria: ACMG Guidelines, 2015. Collection method: clinical testing. Allele origin: germline.

Baylor Genetics
Classification: Pathogenic for Merosin deficient congenital muscular dystrophy. Last evaluated: 2023-11-22. Review status: criteria provided, single submitter. Criteria: ACMG Guidelines, 2015. Collection method: clinical testing. Allele origin: unknown.

Mendelics
Classification: Pathogenic for Merosin deficient congenital muscular dystrophy. Last evaluated: 2019-05-28. Review status: criteria provided, single submitter. Criteria: Mendelics Assertion Criteria 2017. Collection method: clinical testing. Allele origin: unknown.

Department of Genetics, Sultan Qaboos University Hospital
Classification: Pathogenic for Merosin deficient congenital muscular dystrophy. Last evaluated: 2017-12-30. Review status: no assertion criteria provided. Collection method: curation. Allele origin: unknown. Affected: yes. Not counted in ClinVar's aggregate classification.

Literature cited by the submitters: PubMed 24611677 (cited by 3 submitters); PubMed 30945278 (cited by Myriad Genetics, Inc.); PubMed 37182895 (cited by Myriad Genetics, Inc.); PubMed 18700894 (cited by Labcorp Genetics (formerly Invitae), Labcorp); PubMed 32904964 (cited by Labcorp Genetics (formerly Invitae), Labcorp).